The following is an entry in ClinVar:

ClinVar aggregate classification (germline): Benign. Review status: criteria provided, multiple submitters, no conflicts (2 of 4 stars). 3 submissions from 3 submitters: Benign (2). 1 of the submissions does not count toward it. Last evaluated 2025-02-16.

Conditions:
Familial cancer of breast. Also called: BREAST CANCER, FAMILIAL; Hereditary breast cancer; hereditary breast carcinoma. Identifiers: Orphanet 227535, MedGen C0346153, MONDO:0016419, OMIM 114480. Disease mechanism: loss of function.

Submissions (3):

Laboratory of Genetics, Children's Clinical University Hospital Latvia
Classification: Benign. Last evaluated: 2025-02-16. Review status: criteria provided, single submitter. Criteria: ACMG Guidelines, 2015. Collection method: clinical testing. Allele origin: germline. Affected: yes.

Ophthalmic Genetics Group, Institute of Molecular and Clinical Ophthalmology Basel
Classification: Benign for Familial cancer of breast. Last evaluated: 2023-08-29. Review status: criteria provided, single submitter. Criteria: ACMG Guidelines, 2015. Collection method: curation. Allele origin: unknown.
Comment: Clinical significance based on ACMG v2.0

This variant was classified as Benign based on ACMG criteria: BA1.

Department of Zoology Govt. MVM College
Classification: Likely pathogenic for Familial cancer of breast. Review status: no assertion criteria provided. Collection method: not provided. Allele origin: unknown. Not counted in ClinVar's aggregate classification.
Comment: KM272011;KM276951
ClinVar note: Converted during submission from probable-pathogenic to Likely pathogenic.

NC_012920.1(MT-CYB):m.14905G>A

Gene: MT-CYB (mitochondrially encoded cytochrome b; plus strand).
Variant type: single nucleotide variant.
Genome position: chrM-14905-G-A.
Identifiers: ClinVar variation 143919 (VCV000143919.5), dbSNP rs193302983, ClinGen allele CA345757.